The following is an entry in ClinVar:

NM_001013838.3(CARMIL2):c.244C>T (p.Pro82Ser)

Gene: CARMIL2 (capping protein regulator and myosin 1 linker 2; plus strand). Cytogenetic location: 16q22.1.
Variant type: single nucleotide variant.
Coding change: c.244C>T on transcript NM_001013838.3 (MANE Select); coding-DNA position 244, C replaced by T.
Protein change: p.Pro82Ser; replaces proline 82 with serine.
Molecular consequence: missense variant.
Genome position (GRCh38, 1-based): chr16:67,646,075, C>T. VCF-style: chr16-67646075-C-T. GRCh37 (hg19) VCF-style: chr16-67679978-C-T.
Other names: c.244C>T, p.Pro82Ser (NM_001317026.3); short protein forms P82S.
Identifiers: ClinVar variation 3607435 (VCV003607435.2).

ClinVar aggregate classification (germline): Uncertain significance (1 of 4 stars; one submission).

gnomAD v4.1: 17 of 1,613,682 alleles (0.0011%); highest among the groups gnomAD compares: East Asian, 0.033%; no homozygotes.

Submission:

Labcorp Genetics (formerly Invitae), Labcorp
Classification: Uncertain significance. Last evaluated: 2024-08-02. Review status: criteria provided, single submitter. Criteria: Invitae Variant Classification Sherloc (09022015). Collection method: clinical testing. Allele origin: germline.
Comment: This sequence change replaces proline, which is neutral and non-polar, with serine, which is neutral and polar, at codon 82 of the CARMIL2 protein (p.Pro82Ser). This variant is present in population databases (rs756751997, gnomAD 0.06%). This variant has not been reported in the literature in individuals affected with CARMIL2-related conditions. Advanced modeling of protein sequence and biophysical properties (such as structural, functional, and spatial information, amino acid conservation, physicochemical variation, residue mobility, and thermodynamic stability) performed at Invitae indicates that this missense variant is not expected to disrupt CARMIL2 protein function with a negative predictive value of 80%. In summary, the available evidence is currently insufficient to determine the role of this variant in disease. Therefore, it has been classified as a Variant of Uncertain Significance.